The following is an entry in ClinVar:

ClinVar aggregate classification (germline): Conflicting classifications of pathogenicity. Review status: criteria provided, conflicting classifications (1 of 4 stars). 10 submissions from 10 submitters: Uncertain significance (9); Likely benign (1). Last evaluated 2026-08-19.

Conditions:
Inborn genetic diseases. Identifiers: MedGen C0950123, MeSH D030342.
Myoclonic epilepsy of Lafora 1 (MELF1). Also called: EPM2A-Related Lafora Disease; EPILEPSY, PROGRESSIVE MYOCLONIC, 2A; LAFORA DISEASE 1; Epilepsy, progressive myoclonic 2A (Lafora). Identifiers: MedGen CN377204, MONDO:0958199, OMIM 254780.
Progressive myoclonic epilepsy. Also called: Progressive myoclonus epilepsy; Familial progressive myoclonic epilepsy; Myoclonus epilepsy; Myoclonic Epilepsies, Progressive. Identifiers: Orphanet 308, Orphanet 98261, MedGen C0751778, MONDO:0020074.
Lafora disease. Also called: Progressive Myoclonus Epilepsy, Lafora Type; Epilepsy progressive myoclonic 2. Identifiers: Orphanet 501, MedGen C0751783, MONDO:0009697.

Allele frequency attached by ClinVar (database versions not stated): 1000 Genomes Project 30x 0.00016; TOPMed 0.00028; gnomAD 0.00029; ExAC 0.00017.
gnomAD v4.1: 711 of 1,204,134 alleles (0.059%); highest among the groups gnomAD compares: Non-Finnish European, 0.067%; no homozygotes.

Submissions (10):

Ambry Genetics
Classification: Likely benign for Inborn genetic diseases. Last evaluated: 2026-08-19. Review status: criteria provided, single submitter. Criteria: Ambry Variant Classification Scheme 2023. Collection method: clinical testing. Allele origin: germline.

GeneDx
Classification: Uncertain significance. Last evaluated: 2025-07-10. Review status: criteria provided, single submitter. Criteria: GeneDx Variant Classification Process June 2021. Collection method: clinical testing. Allele origin: germline. Affected: yes.
Comment: Reported homozygous in a patient with learning difficulties and epilepsy in published literature; however, it is unclear if this individual harbored other variants that could contribute to their phenotype (PMID: 36703223); In silico analysis suggests that this missense variant does not alter protein structure/function; This variant is associated with the following publications: (PMID: 27036853, 36703223)

Blueprint Genetics
Classification: Uncertain significance. Last evaluated: 2024-09-02. Review status: criteria provided, single submitter. Criteria: ACMG Guidelines, 2015. Collection method: clinical testing. Allele origin: germline.

ARUP Laboratories, Molecular Genetics and Genomics, ARUP Laboratories
Classification: Uncertain significance for Myoclonic epilepsy of Lafora 1. Last evaluated: 2023-10-06. Review status: criteria provided, single submitter. Criteria: ARUP Molecular Germline Variant Investigation Process 2024. Collection method: clinical testing. Allele origin: germline.

Department of Pathology and Laboratory Medicine, Sinai Health System
Classification: Uncertain significance for Myoclonic epilepsy of Lafora 1. Last evaluated: 2023-02-06. Review status: criteria provided, single submitter. Criteria: ACMG Guidelines, 2015. Collection method: research. Allele origin: germline.

Dubai Health Genomic Medicine Center, Dubai Health
Classification: Uncertain significance. Last evaluated: 2022-12-17. Review status: criteria provided, single submitter. Criteria: ACMG Guidelines, 2015. Collection method: clinical testing. Allele origin: germline. Affected: yes.

Labcorp Genetics (formerly Invitae), Labcorp
Classification: Uncertain significance for Progressive myoclonic epilepsy. Last evaluated: 2022-10-17. Review status: criteria provided, single submitter. Criteria: Invitae Variant Classification Sherloc (09022015). Collection method: clinical testing. Allele origin: germline.
Comment: This sequence change replaces glycine, which is neutral and non-polar, with arginine, which is basic and polar, at codon 50 of the EPM2A protein (p.Gly50Arg). This variant is present in population databases (rs753397854, gnomAD 0.08%). This variant has not been reported in the literature in individuals affected with EPM2A-related conditions. ClinVar contains an entry for this variant (Variation ID: 205424). Algorithms developed to predict the effect of missense changes on protein structure and function (SIFT, PolyPhen-2, Align-GVGD) all suggest that this variant is likely to be tolerated. In summary, the available evidence is currently insufficient to determine the role of this variant in disease. Therefore, it has been classified as a Variant of Uncertain Significance.

Mayo Clinic Laboratories, Mayo Clinic
Classification: Uncertain significance. Last evaluated: 2019-04-07. Review status: criteria provided, single submitter. Criteria: ACMG Guidelines, 2015. Collection method: clinical testing. Allele origin: germline. Observed: 1 variant allele.

Center for Pediatric Genomic Medicine, Children's Mercy Hospital and Clinics
Classification: Uncertain significance. Last evaluated: 2017-01-26. Review status: criteria provided, single submitter. Criteria: ACMG Guidelines, 2015. Collection method: clinical testing. Allele origin: germline.
ClinVar note: Converted during submission from Uncertain Significance to Uncertain significance.

Breakthrough Genomics
Classification: Uncertain significance. Review status: criteria provided, single submitter. Criteria: ACMG Guidelines, 2015. Collection method: not provided. Allele origin: germline. Inheritance: Autosomal recessive inheritance. Affected: yes.

NM_005670.4(EPM2A):c.148G>A (p.Gly50Arg)

Genes: EPM2A (EPM2A glucan phosphatase, laforin; minus strand), EPM2A-DT (EPM2A divergent transcript; plus strand), LOC129997381 (ATAC-STARR-seq lymphoblastoid silent region 17642; plus strand). Cytogenetic location: 6q24.3.
Variant type: single nucleotide variant.
Coding change: c.148G>A on transcript NM_005670.4 (MANE Select); coding-DNA position 148, G replaced by A.
Protein change: p.Gly50Arg; replaces glycine 50 with arginine.
Molecular consequence: missense variant. On other transcripts: 5 prime UTR variant (3), intron variant (1).
Genome position (GRCh38, 1-based): chr6:145,735,351, C>T on the plus strand (G>A on the coding strand, the complement: EPM2A is on the minus strand). VCF-style: chr6-145735351-C-T. GRCh37 (hg19) VCF-style: chr6-146056487-C-T.
Other names: p.G50R:GGG>AGG; c.148G>A, p.Gly50Arg (NM_001018041.2, NM_001360057.2, NM_001368130.1); c.-522G>A (NM_001360071.2); c.-476G>A (NM_001368129.2); c.-220G>A (NM_001368131.1); c.-114+557G>A (NM_001360064.2); short protein forms G50R.
Identifiers: ClinVar variation 205424 (VCV000205424.31), dbSNP rs753397854, ClinGen allele CA314480.
Genomic context (GRCh38, chr6:145,735,351, plus strand): 5'-CCTCGGCCGCCAGCTCCACCTCCCCGAGCCACAGGCCCGGCTCCTGCAGGGCCAGGGCCC[C>T]GTCGCCCGCCGCGGTGCCGGCCGGCCTCAGGCGGACGGCACCGCGCGGCTCCCAACGCCC-3'
Protein context (NP_005661.1, residues 40-60): LRPAGTAAGD[Gly50Arg]ALALQEPGLW